The following is an entry in ClinVar:

ClinVar aggregate classification (germline): Uncertain significance (1 of 4 stars; one submission).

Allele frequency attached by ClinVar (database versions not stated): gnomAD exomes 0.00001; TOPMed 0.00001; ExAC 0.00002; gnomAD 0.00002.
gnomAD v4.1: 17 of 1,600,542 alleles (0.0011%); highest among the groups gnomAD compares: Non-Finnish European, 0.0014%; no homozygotes.

Submission:

Labcorp Genetics (formerly Invitae), Labcorp
Classification: Uncertain significance. Last evaluated: 2022-07-05. Review status: criteria provided, single submitter. Criteria: Invitae Variant Classification Sherloc (09022015). Collection method: clinical testing. Allele origin: germline.
Comment: Algorithms developed to predict the effect of missense changes on protein structure and function are either unavailable or do not agree on the potential impact of this missense change (SIFT: "Not Available"; PolyPhen-2: "Probably Damaging"; Align-GVGD: "Not Available"). In summary, the available evidence is currently insufficient to determine the role of this variant in disease. Therefore, it has been classified as a Variant of Uncertain Significance. ClinVar contains an entry for this variant (Variation ID: 1390853). This variant has not been reported in the literature in individuals affected with MYO18B-related conditions. The frequency data for this variant in the population databases is considered unreliable, as metrics indicate poor data quality at this position in the gnomAD database. This sequence change replaces glutamic acid, which is acidic and polar, with lysine, which is basic and polar, at codon 1741 of the MYO18B protein (p.Glu1741Lys).

NM_032608.7(MYO18B):c.5221G>A (p.Glu1741Lys)

Gene: MYO18B (myosin XVIIIB; plus strand). Cytogenetic location: 22q12.1.
Variant type: single nucleotide variant.
Coding change: c.5221G>A on transcript NM_032608.7 (MANE Select); coding-DNA position 5221, G replaced by A.
Protein change: p.Glu1741Lys; replaces glutamic acid 1741 with lysine.
Molecular consequence: missense variant.
Genome position (GRCh38, 1-based): chr22:25,908,394, G>A. VCF-style: chr22-25908394-G-A. GRCh37 (hg19) VCF-style: chr22-26304361-G-A.
Other names: c.5224G>A, p.Glu1742Lys (NM_001318245.2); short protein forms E1742K, E1741K.
Identifiers: ClinVar variation 1390853 (VCV001390853.8), dbSNP rs763721666, ClinGen allele CA10161104.